The following is an entry in ClinVar:

ClinVar aggregate classification (germline): Uncertain significance (1 of 4 stars; one submission).

Submission:

Labcorp Genetics (formerly Invitae), Labcorp
Classification: Uncertain significance. Last evaluated: 2025-03-23. Review status: criteria provided, single submitter. Criteria: Invitae Variant Classification Sherloc (09022015). Collection method: clinical testing. Allele origin: germline.
Comment: This sequence change replaces glutamic acid, which is acidic and polar, with lysine, which is basic and polar, at codon 7 of the PSMG2 protein (p.Glu7Lys). This variant is not present in population databases (gnomAD no frequency). This variant has not been reported in the literature in individuals affected with PSMG2-related conditions. An algorithm developed to predict the effect of missense changes on protein structure and function (PolyPhen-2) suggests that this variant is likely to be tolerated. In summary, the available evidence is currently insufficient to determine the role of this variant in disease. Therefore, it has been classified as a Variant of Uncertain Significance.

NM_020232.5(PSMG2):c.19G>A (p.Glu7Lys)

Gene: PSMG2 (proteasome assembly chaperone 2; plus strand). Cytogenetic location: 18p11.21.
Variant type: single nucleotide variant.
Coding change: c.19G>A on transcript NM_020232.5 (MANE Select); coding-DNA position 19, G replaced by A.
Protein change: p.Glu7Lys; replaces glutamic acid 7 with lysine.
Molecular consequence: missense variant. On other transcripts: intron variant (1).
Genome position (GRCh38, 1-based): chr18:12,703,126, G>A. VCF-style: chr18-12703126-G-A. GRCh37 (hg19) VCF-style: chr18-12703125-G-A.
Other names: c.-36-3424G>A (NM_147163.2); short protein forms E7K.
Identifiers: ClinVar variation 4715774 (VCV004715774.1).